The following is an entry in ClinVar:

ClinVar aggregate classification (germline): Uncertain significance (1 of 4 stars; one submission).

Conditions:
Duchenne muscular dystrophy (DMD). Also called: Duchenne Muscular Dystrophy (DMD); MUSCULAR DYSTROPHY, PSEUDOHYPERTROPHIC PROGRESSIVE, DUCHENNE TYPE. Identifiers: Orphanet 98896, MedGen C0013264, MONDO:0010679, OMIM 310200.

Submission:

Labcorp Genetics (formerly Invitae), Labcorp
Classification: Uncertain significance for Duchenne muscular dystrophy. Last evaluated: 2025-03-20. Review status: criteria provided, single submitter. Criteria: Invitae Variant Classification Sherloc (09022015). Collection method: clinical testing. Allele origin: germline.
Comment: This sequence change replaces aspartic acid, which is acidic and polar, with asparagine, which is neutral and polar, at codon 1416 of the DMD protein (p.Asp1416Asn). This variant is not present in population databases (gnomAD no frequency). This variant has not been reported in the literature in individuals affected with DMD-related conditions. Invitae Evidence Modeling of protein sequence and biophysical properties (such as structural, functional, and spatial information, amino acid conservation, physicochemical variation, residue mobility, and thermodynamic stability) indicates that this missense variant is not expected to disrupt DMD protein function with a negative predictive value of 95%. In summary, the available evidence is currently insufficient to determine the role of this variant in disease. Therefore, it has been classified as a Variant of Uncertain Significance.

NM_004006.3(DMD):c.4246G>A (p.Asp1416Asn)

Gene: DMD (dystrophin; minus strand). Cytogenetic location: Xp21.1.
Variant type: single nucleotide variant.
Coding change: c.4246G>A on transcript NM_004006.3 (MANE Select); coding-DNA position 4246, G replaced by A.
Protein change: p.Asp1416Asn; replaces aspartic acid 1416 with asparagine.
Molecular consequence: missense variant.
Genome position (GRCh38, 1-based): chrX:32,390,169, C>T on the plus strand (G>A on the coding strand, the complement: DMD is on the minus strand). VCF-style: chrX-32390169-C-T. GRCh37 (hg19) VCF-style: chrX-32408286-C-T.
Other names: c.4222G>A, p.Asp1408Asn (NM_000109.4); c.4234G>A, p.Asp1412Asn (NM_004009.3); c.3877G>A, p.Asp1293Asn (NM_004010.3); c.223G>A, p.Asp75Asn (NM_004011.4); c.214G>A, p.Asp72Asn (NM_004012.4); short protein forms D1293N, D1408N, D1412N, D1416N, D72N, D75N.
Identifiers: ClinVar variation 4800967 (VCV004800967.1).